The following is an entry in ClinVar:

NM_145290.4(ADGRA3):c.14G>T (p.Gly5Val)

Gene: ADGRA3 (adhesion G protein-coupled receptor A3; minus strand). Cytogenetic location: 4p15.2.
Variant type: single nucleotide variant.
Coding change: c.14G>T on transcript NM_145290.4 (MANE Select); coding-DNA position 14, G replaced by T.
Protein change: p.Gly5Val; replaces glycine 5 with valine.
Molecular consequence: missense variant.
Genome position (GRCh38, 1-based): chr4:22,515,771, C>A on the plus strand (G>T on the coding strand, the complement: ADGRA3 is on the minus strand). VCF-style: chr4-22515771-C-A. GRCh37 (hg19) VCF-style: chr4-22517394-C-A.
Other names: short protein forms G5V.
Identifiers: ClinVar variation 1924382 (VCV001924382.5), dbSNP rs1719644430, ClinGen allele CA356508012.

ClinVar aggregate classification (germline): Uncertain significance (1 of 4 stars; one submission).

Allele frequency attached by ClinVar (database versions not stated): TOPMed below 0.00001; gnomAD 0.00001.

Submission:

Labcorp Genetics (formerly Invitae), Labcorp
Classification: Uncertain significance. Last evaluated: 2025-01-21. Review status: criteria provided, single submitter. Criteria: Invitae Variant Classification Sherloc (09022015). Collection method: clinical testing. Allele origin: germline.
Comment: This sequence change replaces glycine, which is neutral and non-polar, with valine, which is neutral and non-polar, at codon 5 of the ADGRA3 protein (p.Gly5Val). The frequency data for this variant in the population databases is considered unreliable, as metrics indicate insufficient coverage at this position in the gnomAD database. This variant has not been reported in the literature in individuals affected with ADGRA3-related conditions. ClinVar contains an entry for this variant (Variation ID: 1924382). Experimental studies and prediction algorithms are not available or were not evaluated, and the functional significance of this variant is currently unknown. In summary, the available evidence is currently insufficient to determine the role of this variant in disease. Therefore, it has been classified as a Variant of Uncertain Significance.